The following is an entry in ClinVar:

NM_004304.5(ALK):c.3095C>T (p.Pro1032Leu)

Gene: ALK (ALK receptor tyrosine kinase; minus strand). Cytogenetic location: 2p23.2.
Variant type: single nucleotide variant.
Coding change: c.3095C>T on transcript NM_004304.5 (MANE Select); coding-DNA position 3095, C replaced by T.
Protein change: p.Pro1032Leu; replaces proline 1032 with leucine.
Molecular consequence: missense variant.
Genome position (GRCh38, 1-based): chr2:29,225,538, G>A on the plus strand (C>T on the coding strand, the complement: ALK is on the minus strand). VCF-style: chr2-29225538-G-A. GRCh37 (hg19) VCF-style: chr2-29448404-G-A.
Other names: short protein forms P1032L.
Identifiers: ClinVar variation 566080 (VCV000566080.13), dbSNP rs752256731, ClinGen allele CA1594077.
Genomic context (GRCh38, chr2:29,225,538, plus strand): 5'-AAAGCCAGGACCAGGGCGGCCACGAGGGCAGAGGTCACCACAGAGAGGATCAGCGAGAGT[G>A]GCAGGTGTGGCTCCGGGGTGGGTGACACTGGAAGACAGGTCCCACTGGGGTATTGACAAC-3'
Protein context (NP_004295.2, residues 1022-1042): IVSPTPEPHL[Pro1032Leu]LSLILSVVTS

ClinVar aggregate classification (germline): Uncertain significance. Review status: criteria provided, multiple submitters, no conflicts (2 of 4 stars). 3 submissions from 3 submitters: Uncertain significance (3). Last evaluated 2025-09-28.

Conditions:
Neuroblastoma, susceptibility to, 3. Also called: ALK-Related Neuroblastic Tumor Susceptibility. Identifiers: Orphanet 635, MedGen C2751681, MONDO:0013083, OMIM 613014.
Hereditary cancer-predisposing syndrome. Also called: Neoplastic Syndromes, Hereditary; Hereditary Cancer Syndrome; Hereditary neoplastic syndrome; Tumor predisposition. Identifiers: Orphanet 140162, MedGen C0027672, MeSH D009386, MONDO:0015356.

Allele frequency attached by ClinVar (database versions not stated): gnomAD 0.00001; gnomAD exomes 0.00001; TOPMed 0.00001; ExAC 0.00001.
gnomAD v4.1: 5 of 1,612,086 alleles (0.00031%); highest among the groups gnomAD compares: South Asian, 0.0022%; no homozygotes.

Submissions (3):

Labcorp Genetics (formerly Invitae), Labcorp
Classification: Uncertain significance for Neuroblastoma, susceptibility to, 3. Last evaluated: 2025-09-28. Review status: criteria provided, single submitter. Criteria: Invitae Variant Classification Sherloc (09022015). Collection method: clinical testing. Allele origin: germline.
Comment: This sequence change replaces proline, which is neutral and non-polar, with leucine, which is neutral and non-polar, at codon 1032 of the ALK protein (p.Pro1032Leu). This variant is present in population databases (rs752256731, gnomAD 0.003%). This variant has not been reported in the literature in individuals affected with ALK-related conditions. ClinVar contains an entry for this variant (Variation ID: 566080). An algorithm developed to predict the effect of missense changes on protein structure and function (PolyPhen-2) suggests that this variant is likely to be disruptive. In summary, the available evidence is currently insufficient to determine the role of this variant in disease. Therefore, it has been classified as a Variant of Uncertain Significance.

Ambry Genetics
Classification: Uncertain significance for Hereditary cancer-predisposing syndrome. Last evaluated: 2024-10-28. Review status: criteria provided, single submitter. Criteria: Ambry Variant Classification Scheme 2023. Collection method: clinical testing. Allele origin: germline.
Comment: The p.P1032L variant (also known as c.3095C>T), located in coding exon 19 of the ALK gene, results from a C to T substitution at nucleotide position 3095. The proline at codon 1032 is replaced by leucine, an amino acid with similar properties. This amino acid position is conserved. In addition, the in silico prediction for this alteration is inconclusive. Since supporting evidence is limited at this time, the clinical significance of this alteration remains unclear.

GeneDx
Classification: Uncertain significance. Last evaluated: 2024-08-18. Review status: criteria provided, single submitter. Criteria: GeneDx Variant Classification Process June 2021. Collection method: clinical testing. Allele origin: germline.
Comment: Not observed at significant frequency in large population cohorts (gnomAD); In silico analysis supports that this missense variant has a deleterious effect on protein structure/function; Has not been previously published as pathogenic or benign to our knowledge